The following is an entry in ClinVar:

ClinVar aggregate classification (germline): Pathogenic (1 of 4 stars; one submission).

Conditions:
Chromosome 2q32-q33 deletion syndrome (GLASS). Also called: 2q33.1 deletion syndrome; Glass syndrome. Identifiers: Orphanet 251019, MedGen C2676739, MONDO:0012864, OMIM 612313.

Submission:

Juno Genomics, Hangzhou Juno Genomics, Inc
Classification: Pathogenic for Chromosome 2q32-q33 deletion syndrome. Review status: criteria provided, single submitter. Criteria: ACMG Guidelines, 2015. Collection method: clinical testing. Allele origin: germline. Affected: yes.
Comment: Absent from controls (or at extremely low frequency if recessive) in Genome Aggregation Database, Exome Sequencing Project, 1000 Genomes Project, or Exome Aggregation Consortium.;De novo (both maternity and paternity confirmed) in a patient with the disease and no family history.;Null variant in a gene where loss of function (LOF) is a known mechanism of disease.

NM_001172509.2(SATB2):c.1225dup (p.Gln409fs)

Gene: SATB2 (SATB homeobox 2; minus strand). Cytogenetic location: 2q33.1.
Variant type: Duplication.
Coding change: c.1225dup on transcript NM_001172509.2 (MANE Select); coding-DNA position 1225, one base duplicated (C; older notation c.1225dupC).
Protein change: p.Gln409fs; shifts the reading frame from glutamine 409.
Molecular consequence: frameshift variant.
Genome position (GRCh38, 1-based): chr2:199,328,859, G duplicated on the plus strand (C on the coding strand, the reverse complement: SATB2 is on the minus strand). VCF-style (leftmost placement, unchanged base first): chr2-199328858-T-TG. GRCh37 (hg19) VCF-style: chr2-200193581-T-TG.
Other names: c.1225dup, p.Gln409fs (NM_001172517.1, NM_015265.4); short protein forms Q409fs.
Identifiers: ClinVar variation 3382838 (VCV003382838.2).